The following is an entry in ClinVar:

NM_015001.3(SPEN):c.1934A>G (p.Asp645Gly)

Gene: SPEN (spen family transcriptional repressor; plus strand). Cytogenetic location: 1p36.13.
Variant type: single nucleotide variant.
Coding change: c.1934A>G on transcript NM_015001.3 (MANE Select); coding-DNA position 1934, A replaced by G.
Protein change: p.Asp645Gly; replaces aspartic acid 645 with glycine.
Molecular consequence: missense variant.
Genome position (GRCh38, 1-based): chr1:15,928,174, A>G. VCF-style: chr1-15928174-A-G. GRCh37 (hg19) VCF-style: chr1-16254669-A-G.
Other names: short protein forms D645G.
Identifiers: ClinVar variation 2576179 (VCV002576179.1), dbSNP rs2523072395, ClinGen allele CA338597493.

ClinVar aggregate classification (germline): Uncertain significance (1 of 4 stars; one submission).

Submission:

Institute for Clinical Genetics, University Hospital TU Dresden, University Hospital TU Dresden
Classification: Uncertain significance. Last evaluated: 2023-01-30. Review status: criteria provided, single submitter. Criteria: ACMG Guidelines, 2015. Collection method: clinical testing. Allele origin: de novo.
Comment: PM2_SUP, PS2_MOD, BP1